The following is an entry in ClinVar:

ClinVar aggregate classification (germline): Uncertain significance. Review status: criteria provided, multiple submitters, no conflicts (2 of 4 stars). 3 submissions from 3 submitters: Uncertain significance (3). Last evaluated 2026-07-21.

Conditions:
Inborn genetic diseases. Identifiers: MedGen C0950123, MeSH D030342.
RP1L1-related disorder. Also called: RP1L1-related condition.

Allele frequency attached by ClinVar (database versions not stated): ESP Exome Variant Server 0.00016.
gnomAD v4.1: 70 of 1,613,296 alleles (0.0043%); highest among the groups gnomAD compares: Admixed American, 0.012%; no homozygotes.

Submissions (3):

PreventionGenetics, part of Exact Sciences
Classification: Uncertain significance for RP1L1-related condition. Last evaluated: 2026-07-21. Review status: criteria provided, single submitter. Criteria: ACMG Guidelines, 2015. Collection method: clinical testing. Allele origin: germline.
Comment: The RP1L1 c.3346G>A variant is predicted to result in the amino acid substitution p.Gly1116Arg. To our knowledge, this variant has not been reported in the literature. This variant is reported in 0.0033% of alleles in individuals of South Asian descent in gnomAD. At this time, the clinical significance of this variant is uncertain due to the absence of conclusive functional and genetic evidence.

Ambry Genetics
Classification: Uncertain significance for Inborn genetic diseases. Last evaluated: 2023-12-13. Review status: criteria provided, single submitter. Criteria: Ambry Variant Classification Scheme 2023. Collection method: clinical testing. Allele origin: germline.

Blueprint Genetics
Classification: Uncertain significance. Last evaluated: 2022-03-11. Review status: criteria provided, single submitter. Criteria: ACMG Guidelines, 2015. Collection method: clinical testing. Allele origin: germline.

NM_178857.6(RP1L1):c.3346G>A (p.Gly1116Arg)

Gene: RP1L1 (RP1 like 1). Cytogenetic location: 8p23.1.
Variant type: single nucleotide variant.
Coding change: c.3346G>A on transcript NM_178857.6 (MANE Select); coding-DNA position 3346, G replaced by A.
Protein change: p.Gly1116Arg; replaces glycine 1116 with arginine.
Molecular consequence: missense variant.
Genome position (GRCh38, 1-based): chr8:10,610,752, C>T on the plus strand (G>A on the coding strand, the complement: RP1L1 is on the minus strand). VCF-style: chr8-10610752-C-T. GRCh37 (hg19) VCF-style: chr8-10468262-C-T.
Other names: short protein forms G1116R.
Identifiers: ClinVar variation 3155827 (VCV003155827.3), dbSNP rs370506271, ClinGen allele CA171944145.